The following is an entry in ClinVar:

NM_001040108.2(MLH3):c.1993G>C (p.Glu665Gln)

Gene: MLH3 (mutL homolog 3; minus strand). Cytogenetic location: 14q24.3.
Variant type: single nucleotide variant.
Coding change: c.1993G>C on transcript NM_001040108.2 (MANE Select); coding-DNA position 1993, G replaced by C.
Protein change: p.Glu665Gln; replaces glutamic acid 665 with glutamine.
Molecular consequence: missense variant.
Genome position (GRCh38, 1-based): chr14:75,047,663, C>G on the plus strand (G>C on the coding strand, the complement: MLH3 is on the minus strand). VCF-style: chr14-75047663-C-G. GRCh37 (hg19) VCF-style: chr14-75514366-C-G.
Other names: c.1993G>C, p.Glu665Gln (NM_014381.3); short protein forms E665Q.
Identifiers: ClinVar variation 1784017 (VCV001784017.2), dbSNP rs2503281109, ClinGen allele CA390443468.
Genomic context (GRCh38, chr14:75,047,663, plus strand): 5'-TCTCTAGCCCATAACTTATATTCGTTCTGCAATTTTTTTTGTTGGGCAATTGACCAGATT[C>G]TTTACTTAAAGTGCTGGCTAAATCTTTGATGTCTGGAGTTTCAACTGAATGACGTGTTCT-3'
Protein context (NP_001035197.1, residues 655-675): IKDLASTLSK[Glu665Gln]SGQLPNKKNC

ClinVar aggregate classification (germline): Uncertain significance (1 of 4 stars; one submission).

Submission:

Ambry Genetics
Classification: Uncertain significance. Last evaluated: 2022-06-24. Review status: criteria provided, single submitter. Criteria: Ambry Variant Classification Scheme 2023. Collection method: clinical testing. Allele origin: germline.
Comment: The p.E665Q variant (also known as c.1993G>C), located in coding exon 1 of the MLH3 gene, results from a G to C substitution at nucleotide position 1993. The glutamic acid at codon 665 is replaced by glutamine, an amino acid with highly similar properties. This amino acid position is conserved. In addition, this alteration is predicted to be tolerated by in silico analysis. Since supporting evidence is limited at this time, the clinical significance of this alteration remains unclear.